The following is an entry in ClinVar:

ClinVar aggregate classification (germline): Uncertain significance. Review status: criteria provided, multiple submitters, no conflicts (2 of 4 stars). 2 submissions from 2 submitters: Uncertain significance (2). Last evaluated 2024-10-09.

Conditions:
Dilated cardiomyopathy 1W (CMD1W). Identifiers: Orphanet 154, MedGen C1969639, MONDO:0012667, OMIM 611407.

Allele frequency attached by ClinVar (database versions not stated): gnomAD exomes below 0.00001.
gnomAD v4.1: 2 of 1,614,192 alleles (0.00012%); highest among the groups gnomAD compares: Non-Finnish European, 0.00017%; no homozygotes.

Submissions (2):

Labcorp Genetics (formerly Invitae), Labcorp
Classification: Uncertain significance for Dilated cardiomyopathy 1W. Last evaluated: 2024-10-09. Review status: criteria provided, single submitter. Criteria: Invitae Variant Classification Sherloc (09022015). Collection method: clinical testing. Allele origin: germline.
Comment: This sequence change replaces arginine, which is basic and polar, with tryptophan, which is neutral and slightly polar, at codon 684 of the VCL protein (p.Arg684Trp). This variant is not present in population databases (gnomAD no frequency). This variant has not been reported in the literature in individuals affected with VCL-related conditions. ClinVar contains an entry for this variant (Variation ID: 432809). An algorithm developed to predict the effect of missense changes on protein structure and function (PolyPhen-2) suggests that this variant is likely to be disruptive. In summary, the available evidence is currently insufficient to determine the role of this variant in disease. Therefore, it has been classified as a Variant of Uncertain Significance.

GeneDx
Classification: Uncertain significance. Last evaluated: 2024-02-04. Review status: criteria provided, single submitter. Criteria: GeneDx Variant Classification Process June 2021. Collection method: clinical testing. Allele origin: germline. Affected: yes.
Comment: Not observed at significant frequency in large population cohorts (gnomAD); In silico analysis supports that this missense variant has a deleterious effect on protein structure/function; Has not been previously published as pathogenic or benign to our knowledge

NM_014000.3(VCL):c.2050A>T (p.Arg684Trp)

Gene: VCL (vinculin; plus strand). Cytogenetic location: 10q22.2.
Variant type: single nucleotide variant.
Coding change: c.2050A>T on transcript NM_014000.3 (MANE Select); coding-DNA position 2050, A replaced by T.
Protein change: p.Arg684Trp; replaces arginine 684 with tryptophan.
Molecular consequence: missense variant.
Genome position (GRCh38, 1-based): chr10:74,103,847, A>T. VCF-style: chr10-74103847-A-T. GRCh37 (hg19) VCF-style: chr10-75863605-A-T.
Other names: c.2050A>T, p.Arg684Trp (NM_003373.4); short protein forms R684W.
Identifiers: ClinVar variation 432809 (VCV000432809.5), dbSNP rs730880249, ClinGen allele CA377261155.